The following is an entry in ClinVar:

ClinVar aggregate classification (germline): Pathogenic (1 of 4 stars; one submission).

Conditions:
Glycogen storage disease XV (GSD15). Also called: GLYCOGENIN DEFICIENCY; GSD XV. Identifiers: Orphanet 263297, MedGen C3150754, MONDO:0013291, OMIM 613507.
Polyglucosan body myopathy type 2. Identifiers: Orphanet 456369, MedGen C4015452, MONDO:0014526, OMIM 616199.

Allele frequency attached by ClinVar (database versions not stated): gnomAD exomes below 0.00001; TOPMed below 0.00001.

Submission:

Labcorp Genetics (formerly Invitae), Labcorp
Classification: Pathogenic for Polyglucosan body myopathy type 2; Glycogen storage disease XV. Last evaluated: 2023-10-17. Review status: criteria provided, single submitter. Criteria: Invitae Variant Classification Sherloc (09022015). Collection method: clinical testing. Allele origin: germline.
Comment: This sequence change creates a premature translational stop signal (p.Thr10Asnfs*47) in the GYG1 gene. It is expected to result in an absent or disrupted protein product. Loss-of-function variants in GYG1 are known to be pathogenic (PMID: 20357282, 25272951). This variant is not present in population databases (gnomAD no frequency). This variant has not been reported in the literature in individuals affected with GYG1-related conditions. For these reasons, this variant has been classified as Pathogenic.

Literature cited by the submitters: PubMed 20357282; PubMed 25272951.

NM_004130.4(GYG1):c.26dup (p.Thr10fs)

Gene: GYG1 (glycogenin 1; plus strand). Cytogenetic location: 3q24.
Variant type: Duplication.
Coding change: c.26dup on transcript NM_004130.4 (MANE Select); coding-DNA position 26, one base duplicated (T; older notation c.26dupT).
Protein change: p.Thr10fs; shifts the reading frame from threonine 10.
Molecular consequence: frameshift variant.
Genome position (GRCh38, 1-based): chr3:148,994,160, T duplicated. VCF-style (leftmost placement, unchanged base first): chr3-148994159-C-CT. GRCh37 (hg19) VCF-style: chr3-148711946-C-CT.
Other names: c.26dup, p.Thr10fs (NM_001184720.2, NM_001184721.2); short protein forms T10fs.
Identifiers: ClinVar variation 2926005 (VCV002926005.3), dbSNP rs985019447, ClinGen allele CA85546040.